The following is an entry in ClinVar:

NM_018161.5(NADSYN1):c.145T>C (p.Cys49Arg)

Gene: NADSYN1 (NAD synthetase 1; plus strand). Cytogenetic location: 11q13.4.
Variant type: single nucleotide variant.
Coding change: c.145T>C on transcript NM_018161.5 (MANE Select); coding-DNA position 145, T replaced by C.
Protein change: p.Cys49Arg; replaces cysteine 49 with arginine.
Molecular consequence: missense variant.
Genome position (GRCh38, 1-based): chr11:71,455,169, T>C. VCF-style: chr11-71455169-T-C. GRCh37 (hg19) VCF-style: chr11-71166215-T-C.
Other names: short protein forms C49R.
Identifiers: ClinVar variation 869157 (VCV000869157.15), dbSNP rs769220327, ClinGen allele CA6162807.

ClinVar aggregate classification (germline): Pathogenic. Review status: criteria provided, single submitter (1 of 4 stars). 2 submissions from 1 submitter: Pathogenic (1). 1 of the submissions does not count toward it. Last evaluated 2023-05-10.

Conditions:
Congenital NAD deficiency disorder. Identifiers: MedGen CN241975.
Vertebral, cardiac, renal, and limb defects syndrome 3. Also called: CONGENITAL NAD DEFICIENCY DISORDER 3. Identifiers: MedGen C5394250, MONDO:0030077, OMIM 618845.

Allele frequency attached by ClinVar (database versions not stated): gnomAD exomes 0.00001; TOPMed 0.00001; ExAC 0.00001.
gnomAD v4.1: 10 of 1,613,490 alleles (0.00062%); highest among the groups gnomAD compares: South Asian, 0.0066%; no homozygotes.

Submissions (2):

Embryology Laboratory, Victor Chang Cardiac Research Institute
Classification: Pathogenic for Vertebral, cardiac, renal, and limb defects syndrome 3. Last evaluated: 2023-05-10. Review status: criteria provided, single submitter. Criteria: ACMG Guidelines, 2015. Collection method: research. Allele origin: biparental. Inheritance: Autosomal recessive inheritance. Affected: yes. Observed: 1 homozygote.

Embryology Laboratory, Victor Chang Cardiac Research Institute
Classification: Pathogenic for Congenital NAD Deficiency Disorder. Last evaluated: 2019-12-01. Review status: no assertion criteria provided. Collection method: research. Allele origin: inherited. Inheritance: Autosomal recessive inheritance. Affected: yes. Observed: 1 variant allele, 1 compound heterozygote. Not counted in ClinVar's aggregate classification.
Comment: This variant, c.145T>C, was found in compound heterozygosity with the pathogenic variant c.395G>T

Literature cited by the submitters: PubMed 31883644.